The following is an entry in ClinVar:

ClinVar aggregate classification (germline): Uncertain significance (1 of 4 stars; one submission).

Conditions:
EDAR-related disorder. Also called: EDAR-related condition.

gnomAD v4.1: 2 of 1,613,962 alleles (0.00012%); highest among the groups gnomAD compares: Non-Finnish European, 0.00017%; no homozygotes.

Submission:

PreventionGenetics, part of Exact Sciences
Classification: Uncertain significance for EDAR-related condition. Last evaluated: 2025-04-04. Review status: criteria provided, single submitter. Criteria: ACMG Guidelines, 2015. Collection method: clinical testing. Allele origin: germline.
Comment: The EDAR c.74G>C variant is predicted to result in the amino acid substitution p.Arg25Pro. To our knowledge, this variant has not been reported in the literature or in a large population database (gnomAD), indicating this variant is rare. At this time, the clinical significance of this variant is uncertain due to the absence of conclusive functional and genetic evidence.

NM_022336.4(EDAR):c.74G>C (p.Arg25Pro)

Genes: EDAR (ectodysplasin A receptor; minus strand), RANBP2 (RAN binding protein 2; plus strand). Cytogenetic location: 2q13.
Variant type: single nucleotide variant.
Coding change: c.74G>C on transcript NM_022336.4 (MANE Select); coding-DNA position 74, G replaced by C.
Protein change: p.Arg25Pro; replaces arginine 25 with proline.
Molecular consequence: missense variant.
Genome position (GRCh38, 1-based): chr2:108,930,220, C>G on the plus strand (G>C on the coding strand, the complement: EDAR is on the minus strand). VCF-style: chr2-108930220-C-G. GRCh37 (hg19) VCF-style: chr2-109546676-C-G.
Other names: short protein forms R25P.
Identifiers: ClinVar variation 4986104 (VCV004986104.1).